The following is an entry in ClinVar:

NM_201384.3(PLEC):c.6360G>A (p.Ser2120=)

Gene: PLEC (plectin; minus strand). Cytogenetic location: 8q24.3.
Variant type: single nucleotide variant.
Coding change: c.6360G>A on transcript NM_201384.3 (MANE Select); coding-DNA position 6360, G replaced by A.
Protein change: p.Ser2120=; no amino-acid change (serine 2120 retained).
Molecular consequence: synonymous variant.
Genome position (GRCh38, 1-based): chr8:143,923,569, C>T on the plus strand (G>A on the coding strand, the complement: PLEC is on the minus strand). VCF-style: chr8-143923569-C-T. GRCh37 (hg19) VCF-style: chr8-144997737-C-T.
Other names: c.6441G>A, p.Ser2147= (NM_000445.5); c.6318G>A, p.Ser2106= (NM_201378.4); c.6294G>A, p.Ser2098= (NM_201379.3); c.6771G>A, p.Ser2257= (NM_201380.4); c.6264G>A, p.Ser2088= (NM_201381.3); c.6360G>A, p.Ser2120= (NM_201382.4); c.6372G>A, p.Ser2124= (NM_201383.3).
Identifiers: ClinVar variation 471627 (VCV000471627.17), dbSNP rs376614483, ClinGen allele CA4926024.

ClinVar aggregate classification (germline): Likely benign. Review status: criteria provided, multiple submitters, no conflicts (2 of 4 stars). 4 submissions from 4 submitters: Likely benign (4). Last evaluated 2026-07-17.

Conditions:
PLEC-related disorder. Also called: PLEC-related disorders; PLEC-related condition.
Autosomal recessive limb-girdle muscular dystrophy type 2Q (LGMDR17). Also called: MUSCULAR DYSTROPHY, LIMB-GIRDLE, AUTOSOMAL RECESSIVE 17. Identifiers: Orphanet 254361, MedGen C3150989, MONDO:0013390, OMIM 613723.
Epidermolysis bullosa simplex with nail dystrophy (EBS5D). Identifiers: MedGen C4225309, MONDO:0014661, OMIM 616487.
Epidermolysis bullosa simplex 5C, with pyloric atresia (EBS5C). Also called: PLEC-Related Epidermolysis Bullosa with Pyloric Atresia; Epidermolysis bullosa simplex with pyloric atresia; PLEC1-Related Epidermolysis Bullosa with Pyloric Atresia. Identifiers: Orphanet 158684, MedGen C2677349, MONDO:0012807, OMIM 612138.
Epidermolysis bullosa simplex, Ogna type (EBS5A). Also called: Pidermolysis bullosa simplex 5A, Ogna type; EPIDERMOLYSIS BULLOSA SIMPLEX 5A, OGNA TYPE. Identifiers: Orphanet 79401, MedGen C0432317, MONDO:0007555, OMIM 131950.
Epidermolysis bullosa simplex 5B, with muscular dystrophy (EBS5B). Also called: EPIDERMOLYSIS BULLOSA SIMPLEX AND LIMB-GIRDLE MUSCULAR DYSTROPHY; Epidermolysis bullosa simplex with muscular dystrophy. Identifiers: Orphanet 257, MedGen C2931072, MONDO:0009181, OMIM 226670.

Allele frequency attached by ClinVar (database versions not stated): ExAC 0.00006; gnomAD 0.00012 and 0.00013; TOPMed 0.00014; ESP Exome Variant Server 0.00017.
gnomAD v4.1: 172 of 1,597,244 alleles (0.011%); highest among the groups gnomAD compares: African/African-American, 0.023%; no homozygotes.

Submissions (4):

PreventionGenetics, part of Exact Sciences
Classification: Likely benign for PLEC-related condition. Last evaluated: 2026-07-17. Review status: criteria provided, single submitter. Criteria: ACMG Guidelines, 2015. Collection method: clinical testing. Allele origin: germline.
Comment: This variant is classified as likely benign based on ACMG/AMP sequence variant interpretation guidelines (Richards et al. 2015 PMID: 25741868, with internal and published modifications).

Labcorp Genetics (formerly Invitae), Labcorp
Classification: Likely benign for Autosomal recessive limb-girdle muscular dystrophy type 2Q; Epidermolysis bullosa simplex, Ogna type; Epidermolysis bullosa simplex with nail dystrophy; Epidermolysis bullosa simplex 5C, with pyloric atresia; Epidermolysis bullosa simplex 5B, with muscular dystrophy. Last evaluated: 2025-10-29. Review status: criteria provided, single submitter. Criteria: Invitae Variant Classification Sherloc (09022015). Collection method: clinical testing. Allele origin: germline.

Blueprint Genetics
Classification: Likely benign. Last evaluated: 2024-11-01. Review status: criteria provided, single submitter. Criteria: ACMG Guidelines, 2015. Collection method: clinical testing. Allele origin: germline.

Breakthrough Genomics
Classification: Likely benign. Review status: criteria provided, single submitter. Criteria: ACMG Guidelines, 2015. Collection method: not provided. Allele origin: germline. Inheritance: Autosomal recessive inheritance. Affected: yes.